The following is an entry in ClinVar:

NM_024426.6(WT1):c.320G>T (p.Trp107Leu)

Genes: WT1 (WT1 transcription factor; minus strand), LOC107982234 (WT1/WT1-AS bi-directional promoter region; plus strand). Cytogenetic location: 11p13.
Variant type: single nucleotide variant.
Coding change: c.320G>T on transcript NM_024426.6 (MANE Select); coding-DNA position 320, G replaced by T.
Protein change: p.Trp107Leu; replaces tryptophan 107 with leucine.
Molecular consequence: missense variant. On other transcripts: non-coding transcript variant (1).
Genome position (GRCh38, 1-based): chr11:32,435,041, C>A on the plus strand (G>T on the coding strand, the complement: WT1 is on the minus strand). VCF-style: chr11-32435041-C-A. GRCh37 (hg19) VCF-style: chr11-32456587-C-A.
Other names: c.320G>T, p.Trp107Leu (NM_000378.6, NM_024424.5); short protein forms W107L.
Identifiers: ClinVar variation 662247 (VCV000662247.13), dbSNP rs1009810769, ClinGen allele CA219511154.
Genomic context (GRCh38, chr11:32,435,041, plus strand): 5'-GGGCCGCCCAACGACCCGTAAGCCGAAGCGCCCGGGGGCGCAAAGTCCAGCACCGGCGCC[C>A]ACTGCGCCGCGCCGCTCACAGGCAGGGCACAGCCGCCGCCGCCACCCAGGGAGGGGACGG-3'
Protein context (NP_077744.4, residues 97-117): CALPVSGAAQ[Trp107Leu]APVLDFAPPG

ClinVar aggregate classification (germline): Uncertain significance. Review status: criteria provided, multiple submitters, no conflicts (2 of 4 stars). 5 submissions from 5 submitters: Uncertain significance (5). Last evaluated 2025-05-06.

Conditions:
Inborn genetic diseases. Identifiers: MedGen C0950123, MeSH D030342.
Wilms tumor 1 (WT1). Also called: Wilms tumor, somatic. Identifiers: Orphanet 654, MedGen CN033288, MONDO:0008679, OMIM 194070.
Drash syndrome (DDS). Also called: WILMS TUMOR AND PSEUDO- OR TRUE HERMAPHRODITISM; NEPHROPATHY, WILMS TUMOR, AND GENITAL ANOMALIES. Identifiers: Orphanet 220, MedGen C0950121, MONDO:0008682, OMIM 194080.
Frasier syndrome. Identifiers: Orphanet 347, MedGen C0950122, MeSH D052159, MONDO:0007635, OMIM 136680.
11p partial monosomy syndrome (WAGR). Also called: CHROMOSOME 11p13 DELETION SYNDROME; WAGR Complex; WAGR Spectrum Disorder; WAGR syndrome. Identifiers: Orphanet 893, MedGen C0206115, MONDO:0008681, OMIM 194072.

Allele frequency attached by ClinVar (database versions not stated): TOPMed 0.00001.

Submissions (5):

GeneDx
Classification: Uncertain significance. Last evaluated: 2025-05-06. Review status: criteria provided, single submitter. Criteria: GeneDx Variant Classification Process June 2021. Collection method: clinical testing. Allele origin: germline. Affected: yes.
Comment: Not observed at significant frequency in large population cohorts (gnomAD); In silico analysis supports that this missense variant has a deleterious effect on protein structure/function; Has not been previously published as pathogenic or benign to our knowledge; This variant is associated with the following publications: (PMID: 8486616)

Ambry Genetics
Classification: Uncertain significance for Inborn genetic diseases. Last evaluated: 2025-02-15. Review status: criteria provided, single submitter. Criteria: Ambry Variant Classification Scheme 2023. Collection method: clinical testing. Allele origin: germline.
Comment: The p.W102L variant (also known as c.305G>T), located in coding exon 1 of the WT1 gene, results from a G to T substitution at nucleotide position 305. The tryptophan at codon 102 is replaced by leucine, an amino acid with similar properties. This amino acid position is conserved. In addition, the in silico prediction for this alteration is inconclusive. Based on the available evidence, the clinical significance of this variant remains unclear.

Labcorp Genetics (formerly Invitae), Labcorp
Classification: Uncertain significance for Wilms tumor 1; Drash syndrome; 11p partial monosomy syndrome; Frasier syndrome. Last evaluated: 2023-12-11. Review status: criteria provided, single submitter. Criteria: Invitae Variant Classification Sherloc (09022015). Collection method: clinical testing. Allele origin: germline.
Comment: This sequence change replaces tryptophan, which is neutral and slightly polar, with leucine, which is neutral and non-polar, at codon 102 of the WT1 protein (p.Trp102Leu). This variant is not present in population databases (gnomAD no frequency). This variant has not been reported in the literature in individuals affected with WT1-related conditions. ClinVar contains an entry for this variant (Variation ID: 662247). Advanced modeling of protein sequence and biophysical properties (such as structural, functional, and spatial information, amino acid conservation, physicochemical variation, residue mobility, and thermodynamic stability) performed at Invitae indicates that this missense variant is expected to disrupt WT1 protein function with a positive predictive value of 95%. In summary, the available evidence is currently insufficient to determine the role of this variant in disease. Therefore, it has been classified as a Variant of Uncertain Significance.

Baylor Genetics
Classification: Uncertain significance for Drash syndrome. Last evaluated: 2023-08-20. Review status: criteria provided, single submitter. Criteria: ACMG Guidelines, 2015. Collection method: clinical testing. Allele origin: unknown.

All of Us Research Program, National Institutes of Health
Classification: Uncertain significance for Wilms tumor 1. Last evaluated: 2023-08-15. Review status: criteria provided, single submitter. Criteria: ACMG Guidelines, 2015. Collection method: clinical testing. Allele origin: germline. Inheritance: Autosomal dominant inheritance. Observed: 2 variant alleles, 2 heterozygotes.
Comment: This variant is located in the WT1 protein. Computational prediction is inconclusive regarding the impact of this variant on protein structure and function (internally defined REVEL score threshold 0.5 < inconclusive < 0.7, PMID: 27666373). To our knowledge, functional studies have not been reported for this variant. This variant has not been reported in individuals affected with WT1-related disorders in the literature. This variant has not been identified in the general population by the Genome Aggregation Database (gnomAD). The available evidence is insufficient to determine the role of this variant in disease conclusively. Therefore, this variant is classified as a Variant of Uncertain Significance.

This study involves interpretation of variants in research participants for the purpose of population health screening. Participant phenotype was not available at the time of variant classification. Additional details can be found in publication PMID: 35346344, PMCID: PMC8962531